The following is an entry in ClinVar:

NM_020693.4(DSCAML1):c.1819G>A (p.Ala607Thr)

Gene: DSCAML1 (DS cell adhesion molecule like 1; minus strand). Cytogenetic location: 11q23.3.
Variant type: single nucleotide variant.
Coding change: c.1819G>A on transcript NM_020693.4 (MANE Select); coding-DNA position 1819, G replaced by A.
Protein change: p.Ala607Thr; replaces alanine 607 with threonine.
Molecular consequence: missense variant.
Genome position (GRCh38, 1-based): chr11:117,505,697, C>T on the plus strand (G>A on the coding strand, the complement: DSCAML1 is on the minus strand). VCF-style: chr11-117505697-C-T. GRCh37 (hg19) VCF-style: chr11-117376412-C-T.
Other names: c.1819G>A, p.Ala607Thr (NM_001367904.1); short protein forms A607T.
Identifiers: ClinVar variation 1461551 (VCV001461551.6), dbSNP rs777412471, ClinGen allele CA6297159.

ClinVar aggregate classification (germline): Uncertain significance (1 of 4 stars; one submission).

Allele frequency attached by ClinVar (database versions not stated): gnomAD exomes 0.00001 and 0.00003; gnomAD 0.00002; ExAC 0.00004.
gnomAD v4.1: 23 of 1,612,612 alleles (0.0014%); highest among the groups gnomAD compares: Middle Eastern, 0.016%; no homozygotes.

Submission:

Labcorp Genetics (formerly Invitae), Labcorp
Classification: Uncertain significance. Last evaluated: 2021-10-20. Review status: criteria provided, single submitter. Criteria: Invitae Variant Classification Sherloc (09022015). Collection method: clinical testing. Allele origin: germline.
Comment: In summary, the available evidence is currently insufficient to determine the role of this variant in disease. Therefore, it has been classified as a Variant of Uncertain Significance. This sequence change replaces alanine with threonine at codon 667 of the DSCAML1 protein (p.Ala667Thr). The alanine residue is moderately conserved and there is a small physicochemical difference between alanine and threonine. This variant is present in population databases (rs777412471, ExAC 0.02%). This variant has not been reported in the literature in individuals affected with DSCAML1-related conditions. Algorithms developed to predict the effect of missense changes on protein structure and function (SIFT, PolyPhen-2, Align-GVGD) all suggest that this variant is likely to be tolerated.